The following is an entry in ClinVar:

ClinVar aggregate classification (germline): Likely benign. Review status: criteria provided, multiple submitters, no conflicts (2 of 4 stars). 5 submissions from 5 submitters: Likely benign (5). Last evaluated 2026-08-17.

Conditions:
Cardiovascular phenotype. Identifiers: MedGen CN230736.
CACNA1C-related disorder. Also called: CACNA1C-related disorders; CACNA1C-related condition. Identifiers: MedGen CN381092, MONDO:0700321.
Long QT syndrome (LQTS). Identifiers: MedGen C0023976, MeSH D008133, MONDO:0002442. Disease mechanism: loss of function. Inheritance: Various modes of inheritance.

Allele frequency attached by ClinVar (database versions not stated): gnomAD 0.00003 and 0.00004; gnomAD exomes 0.00003 and 0.00006; ExAC 0.00004; ESP Exome Variant Server 0.00008; TOPMed 0.00008.
gnomAD v4.1: 60 of 1,613,752 alleles (0.0037%); highest among the groups gnomAD compares: Middle Eastern, 0.049%; no homozygotes.

Submissions (5):

PreventionGenetics, part of Exact Sciences
Classification: Likely benign for CACNA1C-related condition. Last evaluated: 2026-08-17. Review status: criteria provided, single submitter. Criteria: ACMG Guidelines, 2015. Collection method: clinical testing. Allele origin: germline.
Comment: This variant is classified as likely benign based on ACMG/AMP sequence variant interpretation guidelines (Richards et al. 2015 PMID: 25741868, with internal and published modifications).

Labcorp Genetics (formerly Invitae), Labcorp
Classification: Likely benign for Long QT syndrome. Last evaluated: 2025-12-21. Review status: criteria provided, single submitter. Criteria: Invitae Variant Classification Sherloc (09022015). Collection method: clinical testing. Allele origin: germline.

CeGaT Center for Human Genetics Tuebingen
Classification: Likely benign. Last evaluated: 2025-01-01. Review status: criteria provided, single submitter. Criteria: CeGaT Center For Human Genetics Tuebingen Variant Classification Criteria Version 2. Collection method: clinical testing. Allele origin: germline. Affected: yes. Observed: 2 variant alleles.
Comment: CACNA1C: BP4, BP7

GeneDx
Classification: Likely benign. Last evaluated: 2021-05-11. Review status: criteria provided, single submitter. Criteria: GeneDx Variant Classification Process June 2021. Collection method: clinical testing. Allele origin: germline. Affected: yes.

Ambry Genetics
Classification: Likely benign for Cardiovascular phenotype. Last evaluated: 2020-06-24. Review status: criteria provided, single submitter. Criteria: Ambry Variant Classification Scheme 2023. Collection method: clinical testing. Allele origin: germline.

NM_000719.7(CACNA1C):c.4128G>A (p.Val1376=)

Gene: CACNA1C (calcium voltage-gated channel subunit alpha1 C; plus strand). Cytogenetic location: 12p13.33.
Variant type: single nucleotide variant.
Coding change: c.4128G>A on transcript NM_000719.7 (MANE Select); coding-DNA position 4128, G replaced by A.
Protein change: p.Val1376=; no amino-acid change (valine 1376 retained).
Molecular consequence: synonymous variant.
Genome position (GRCh38, 1-based): chr12:2,653,888, G>A. VCF-style: chr12-2653888-G-A. GRCh37 (hg19) VCF-style: chr12-2763054-G-A.
Other names: c.4272G>A, p.Val1424= (NM_001129827.2, NM_199460.4); c.4194G>A, p.Val1398= (NM_001129829.2); c.4128G>A, p.Val1376= (NM_001129830.3, NM_001129833.2, NM_001129834.2 and 7 more transcripts); c.4212G>A, p.Val1404= (NM_001129831.2); c.4188G>A, p.Val1396= (NM_001129832.2); c.4179G>A, p.Val1393= (NM_001129836.2); c.4095G>A, p.Val1365= (NM_001129837.2, NM_001129838.2, NM_001129846.2 and 1 more transcripts); c.4089G>A, p.Val1363= (NM_001129839.2); and 1 more.
Identifiers: ClinVar variation 384026 (VCV000384026.47), dbSNP rs377173101, ClinGen allele CA6389477.